The following is an entry in ClinVar:

NM_001378454.1(ALMS1):c.10217C>T (p.Ser3406Phe)

Gene: ALMS1 (ALMS1 centrosome and basal body associated protein; plus strand). Cytogenetic location: 2p13.1.
Variant type: single nucleotide variant.
Coding change: c.10217C>T on transcript NM_001378454.1 (MANE Select); coding-DNA position 10217, C replaced by T.
Protein change: p.Ser3406Phe; replaces serine 3406 with phenylalanine.
Molecular consequence: missense variant.
Genome position (GRCh38, 1-based): chr2:73,558,975, C>T. VCF-style: chr2-73558975-C-T. GRCh37 (hg19) VCF-style: chr2-73786102-C-T.
Other names: c.10220C>T, p.Ser3407Phe (NM_015120.4); short protein forms S3407F, S3406F.
Identifiers: ClinVar variation 5002097 (VCV005002097.1).

ClinVar aggregate classification (germline): Uncertain significance (1 of 4 stars; one submission).

Conditions:
ALMS1-related disorder. Also called: ALMS1-related condition.

Submission:

PreventionGenetics, part of Exact Sciences
Classification: Uncertain significance for ALMS1-related condition. Last evaluated: 2025-04-13. Review status: criteria provided, single submitter. Criteria: ACMG Guidelines, 2015. Collection method: clinical testing. Allele origin: germline.
Comment: The ALMS1 c.10220C>T variant is predicted to result in the amino acid substitution p.Ala3407Val. To our knowledge, this variant has not been reported in the literature. This variant is reported in 0.0065% of alleles in individuals of African descent in gnomAD. At this time, the clinical significance of this variant is uncertain due to the absence of conclusive functional and genetic evidence.